The following is an entry in ClinVar:

ClinVar aggregate classification (germline): Uncertain significance (1 of 4 stars; one submission).

Conditions:
Hereditary sensory neuropathy-deafness-dementia syndrome. Also called: Hereditary sensory neuropathy type IE; Hereditary Sensory and Autonomic Neuropathy Type 1E (HSAN1E); HSN IE; NEUROPATHY, HEREDITARY SENSORY, WITH HEARING LOSS AND DEMENTIA. Identifiers: Orphanet 456318, MedGen C3279885, MONDO:0013584, OMIM 614116.

gnomAD v4.1: 1 of 1,614,054 alleles (0.000062%); highest among the groups gnomAD compares: Admixed American, 0.0017%; no homozygotes.

Submission:

Labcorp Genetics (formerly Invitae), Labcorp
Classification: Uncertain significance for Hereditary sensory neuropathy-deafness-dementia syndrome. Last evaluated: 2018-09-03. Review status: criteria provided, single submitter. Criteria: Invitae Variant Classification Sherloc (09022015). Collection method: clinical testing. Allele origin: germline.
Comment: This sequence change replaces glycine with cysteine at codon 946 of the DNMT1 protein (p.Gly946Cys). The glycine residue is highly conserved and there is a large physicochemical difference between glycine and cysteine. This variant is present in population databases (rs777416084, ExAC 0.009%). This variant has not been reported in the literature in individuals with DNMT1-related disease. Algorithms developed to predict the effect of missense changes on protein structure and function are either unavailable or do not agree on the potential impact of this missense change (SIFT: "Deleterious"; PolyPhen-2: "Probably Damaging"; Align-GVGD: "Class C0"). In summary, the available evidence is currently insufficient to determine the role of this variant in disease. Therefore, it has been classified as a Variant of Uncertain Significance.

NM_001130823.3(DNMT1):c.2836G>T (p.Gly946Cys)

Gene: DNMT1 (DNA methyltransferase 1; minus strand). Cytogenetic location: 19p13.2.
Variant type: single nucleotide variant.
Coding change: c.2836G>T on transcript NM_001130823.3 (MANE Select); coding-DNA position 2836, G replaced by T.
Protein change: p.Gly946Cys; replaces glycine 946 with cysteine.
Molecular consequence: missense variant.
Genome position (GRCh38, 1-based): chr19:10,146,409, C>A on the plus strand (G>T on the coding strand, the complement: DNMT1 is on the minus strand). VCF-style: chr19-10146409-C-A. GRCh37 (hg19) VCF-style: chr19-10257085-C-A.
Other names: c.2836G>T (LRG_362t1); c.2788G>T, p.Gly930Cys (NM_001318730.2, NM_001379.4); c.2473G>T, p.Gly825Cys (NM_001318731.2); short protein forms G825C, G930C, G946C.
Identifiers: ClinVar variation 639423 (VCV000639423.8), dbSNP rs777416084, ClinGen allele CA9187925.
Genomic context (GRCh38, chr19:10,146,409, plus strand): 5'-ACTTGAACGTGAAGGCCTCAGGGGGCAGGTACACACCATCACCAACTCGGTACAGGATGC[C>A]GTTCTTGGTGGCTGAGTAGTAGAGGACCCGGCTATCCAGGTCCTCGAGCTGCTCCAGGAC-3'
Protein context (NP_001124295.1, residues 936-956): RVLYYSATKN[Gly946Cys]ILYRVGDGVY